The following is an entry in ClinVar:

ClinVar aggregate classification (germline): Uncertain significance (1 of 4 stars; one submission).

Allele frequency attached by ClinVar (database versions not stated): gnomAD 0.00007; TOPMed 0.00010; ExAC 0.00010; gnomAD exomes 0.00007.

Submission:

Labcorp Genetics (formerly Invitae), Labcorp
Classification: Uncertain significance. Last evaluated: 2025-04-29. Review status: criteria provided, single submitter. Criteria: Invitae Variant Classification Sherloc (09022015). Collection method: clinical testing. Allele origin: germline.
Comment: This sequence change replaces leucine, which is neutral and non-polar, with phenylalanine, which is neutral and non-polar, at codon 767 of the TNK2 protein (p.Leu767Phe). This variant is present in population databases (rs764478648, gnomAD 0.02%). This variant has not been reported in the literature in individuals affected with TNK2-related conditions. ClinVar contains an entry for this variant (Variation ID: 2041265). An algorithm developed to predict the effect of missense changes on protein structure and function (PolyPhen-2) suggests that this variant is likely to be tolerated. In summary, the available evidence is currently insufficient to determine the role of this variant in disease. Therefore, it has been classified as a Variant of Uncertain Significance.

NM_001382273.1(TNK2):c.2110C>T (p.Leu704Phe)

Gene: TNK2 (tyrosine kinase non receptor 2; minus strand). Cytogenetic location: 3q29.
Variant type: single nucleotide variant.
Coding change: c.2110C>T on transcript NM_001382273.1 (MANE Select); coding-DNA position 2110, C replaced by T.
Protein change: p.Leu704Phe; replaces leucine 704 with phenylalanine.
Molecular consequence: missense variant. On other transcripts: non-coding transcript variant (15).
Genome position (GRCh38, 1-based): chr3:195,868,188, G>A on the plus strand (C>T on the coding strand, the complement: TNK2 is on the minus strand). VCF-style: chr3-195868188-G-A. GRCh37 (hg19) VCF-style: chr3-195595059-G-A.
Other names: c.2065C>T, p.Leu689Phe (NM_001387712.1, NM_001387713.1, NM_001387714.1 and 8 more transcripts); c.2137C>T, p.Leu713Phe (NM_001387715.1, NM_001387708.1); c.2110C>T, p.Leu704Phe (NM_001387716.1, NM_001387717.1, NM_001387718.1 and 1 more transcripts); c.2182C>T, p.Leu728Phe (NM_001010938.2, NM_001382272.1); c.2161C>T, p.Leu721Phe (NM_001308046.2, NM_001382271.1); c.2206C>T, p.Leu736Phe (NM_001382275.1, NM_001387707.1); short protein forms L689F, L721F, L728F, L736F, L713F, L704F.
Identifiers: ClinVar variation 2041265 (VCV002041265.4), dbSNP rs764478648, ClinGen allele CA2776067.